The following is an entry in ClinVar:

NM_000458.3:c.1046_*941del

Gene: HNF1B (HNF1 homeobox B; minus strand). Cytogenetic location: 17q12.
Variant type: Deletion.
Identifiers: ClinVar variation 635750 (VCV000635750.1).

ClinVar aggregate classification (germline): Pathogenic (1 of 4 stars; one submission).

Conditions:
Renal cysts and diabetes syndrome (RCAD). Also called: Familial hypoplastic, glomerulocystic kidney; MATURITY-ONSET DIABETES OF THE YOUNG, TYPE 5. Identifiers: Orphanet 93111, MedGen C0431693, MONDO:0007669, OMIM 137920.

Submission:

Institute of Human Genetics, FAU Erlangen, Friedrich-Alexander-Universität Erlangen-Nürnberg
Classification: Pathogenic for Renal cysts and diabetes syndrome. Last evaluated: 2019-07-06. Review status: criteria provided, single submitter. Criteria: ACMG Guidelines, 2015. Collection method: literature only. Allele origin: germline. Affected: yes.
Comment: This variant and it's classification has been reported by Vasileiou et al. 2019; DOI:10.1101/576918. The variants has previously been reported in PMID:27297286; PMID:23539225; PMID:24382792 as "Partial deletion exons 5-9 NM_000458.3:c.(?_1046)_(*941_?)del" with clinical significance Pathogenic. It has been re-classified using InterVar and manual curation as Pathogenic based on PVS1 PM2 PP1.

Literature cited by the submitters: PubMed 27297286; PubMed 23539225; PubMed 24382792; DOI 10.1101/576918.